The following is an entry in ClinVar:

NM_001206999.2(CIT):c.2820G>A (p.Ala940=)

Gene: CIT (citron rho-interacting serine/threonine kinase; minus strand). Cytogenetic location: 12q24.23.
Variant type: single nucleotide variant.
Coding change: c.2820G>A on transcript NM_001206999.2 (MANE Select); coding-DNA position 2820, G replaced by A.
Protein change: p.Ala940=; no amino-acid change (alanine 940 retained).
Molecular consequence: synonymous variant.
Genome position (GRCh38, 1-based): chr12:119,752,134, C>T on the plus strand (G>A on the coding strand, the complement: CIT is on the minus strand). VCF-style: chr12-119752134-C-T. GRCh37 (hg19) VCF-style: chr12-120189939-C-T.
Other names: c.2694G>A, p.Ala898= (NM_007174.3).
Identifiers: ClinVar variation 736934 (VCV000736934.10), dbSNP rs557478027, ClinGen allele CA6821672.

ClinVar aggregate classification (germline): Likely benign. Review status: criteria provided, multiple submitters, no conflicts (2 of 4 stars). 3 submissions from 3 submitters: Likely benign (2). 1 of the submissions does not count toward it. Last evaluated 2025-10-27.

Conditions:
CIT-related disorder. Also called: CIT-related condition.

Allele frequency attached by ClinVar (database versions not stated): gnomAD 0.00011 and 0.00014; ExAC 0.00014; gnomAD exomes 0.00018; TOPMed 0.00020; 1000 Genomes Project 30x 0.00078; 1000 Genomes Project 0.00080.
gnomAD v4.1: 98 of 1,613,028 alleles (0.0061%); highest among the groups gnomAD compares: East Asian, 0.087%; no homozygotes.

Submissions (3):

Labcorp Genetics (formerly Invitae), Labcorp
Classification: Likely benign. Last evaluated: 2025-10-27. Review status: criteria provided, single submitter. Criteria: Invitae Variant Classification Sherloc (09022015). Collection method: clinical testing. Allele origin: germline.

Blueprint Genetics
Classification: Likely benign. Last evaluated: 2024-09-10. Review status: criteria provided, single submitter. Criteria: ACMG Guidelines, 2015. Collection method: clinical testing. Allele origin: germline.

PreventionGenetics, part of Exact Sciences
Classification: Likely benign for CIT-related condition. Last evaluated: 2021-12-09. Review status: no assertion criteria provided. Collection method: clinical testing. Allele origin: germline. Not counted in ClinVar's aggregate classification.
Comment: This variant is classified as likely benign based on ACMG/AMP sequence variant interpretation guidelines (Richards et al. 2015 PMID: 25741868, with internal and published modifications).